The following is an entry in ClinVar:

ClinVar aggregate classification (germline): Uncertain significance (1 of 4 stars; one submission).

Submission:

Labcorp Genetics (formerly Invitae), Labcorp
Classification: Uncertain significance. Last evaluated: 2024-10-17. Review status: criteria provided, single submitter. Criteria: Invitae Variant Classification Sherloc (09022015). Collection method: clinical testing. Allele origin: germline.
Comment: This sequence change replaces glycine, which is neutral and non-polar, with alanine, which is neutral and non-polar, at codon 1105 of the IARS protein (p.Gly1105Ala). This variant is not present in population databases (gnomAD no frequency). This variant has not been reported in the literature in individuals affected with IARS-related conditions. ClinVar contains an entry for this variant (Variation ID: 2010705). An algorithm developed to predict the effect of missense changes on protein structure and function (PolyPhen-2) suggests that this variant is likely to be tolerated. In summary, the available evidence is currently insufficient to determine the role of this variant in disease. Therefore, it has been classified as a Variant of Uncertain Significance.

NM_002161.6(IARS1):c.3314G>C (p.Gly1105Ala)

Gene: IARS1 (isoleucyl-tRNA synthetase 1; minus strand). Cytogenetic location: 9q22.31.
Variant type: single nucleotide variant.
Coding change: c.3314G>C on transcript NM_002161.6 (MANE Select); coding-DNA position 3314, G replaced by C.
Protein change: p.Gly1105Ala; replaces glycine 1105 with alanine.
Molecular consequence: missense variant. On other transcripts: non-coding transcript variant (1).
Genome position (GRCh38, 1-based): chr9:92,229,096, C>G on the plus strand (G>C on the coding strand, the complement: IARS1 is on the minus strand). VCF-style: chr9-92229096-C-G. GRCh37 (hg19) VCF-style: chr9-94991378-C-G.
Other names: c.3239G>C, p.Gly1080Ala (NM_001374299.1, NM_001374300.1, NM_001378584.1); c.3230G>C, p.Gly1077Ala (NM_001374301.1); c.3377G>C, p.Gly1126Ala (NM_001378569.1); c.3335G>C, p.Gly1112Ala (NM_001378571.1); c.3314G>C, p.Gly1105Ala (NM_001378572.1, NM_001378573.1, NM_001378574.1 and 9 more transcripts); c.3218G>C, p.Gly1073Ala (NM_001378582.1); c.3191G>C, p.Gly1064Ala (NM_001378583.1); short protein forms G1064A, G1077A, G1080A, G1112A, G1126A, G1073A, G1105A.
Identifiers: ClinVar variation 2010705 (VCV002010705.4), dbSNP rs2490217210, ClinGen allele CA373807795.